The following is an entry in ClinVar:

ClinVar aggregate classification (germline): Uncertain significance (1 of 4 stars; one submission).

Conditions:
Inborn genetic diseases. Identifiers: MedGen C0950123, MeSH D030342.

gnomAD v4.1: 3 of 1,614,070 alleles (0.00019%); highest among the groups gnomAD compares: East Asian, 0.0022%; no homozygotes.

Submission:

Ambry Genetics
Classification: Uncertain significance for Inborn genetic diseases. Last evaluated: 2023-01-20. Review status: criteria provided, single submitter. Criteria: Ambry Variant Classification Scheme 2023. Collection method: clinical testing. Allele origin: germline.
Comment: The p.T650I variant (also known as c.1949C>T), located in coding exon 12 of the EPAS1 gene, results from a C to T substitution at nucleotide position 1949. The threonine at codon 650 is replaced by isoleucine, an amino acid with similar properties. This amino acid position is conserved. In addition, this alteration is predicted to be tolerated by in silico analysis. Since supporting evidence is limited at this time, the clinical significance of this alteration remains unclear.

NM_001430.5(EPAS1):c.1949C>T (p.Thr650Ile)

Gene: EPAS1 (endothelial PAS domain protein 1; plus strand). Cytogenetic location: 2p21.
Variant type: single nucleotide variant.
Coding change: c.1949C>T on transcript NM_001430.5 (MANE Select); coding-DNA position 1949, C replaced by T.
Protein change: p.Thr650Ile; replaces threonine 650 with isoleucine.
Molecular consequence: missense variant.
Genome position (GRCh38, 1-based): chr2:46,380,621, C>T. VCF-style: chr2-46380621-C-T. GRCh37 (hg19) VCF-style: chr2-46607760-C-T.
Other names: short protein forms T650I.
Identifiers: ClinVar variation 2497572 (VCV002497572.2), dbSNP rs1684866311, ClinGen allele CA346705218.
Genomic context (GRCh38, chr2:46,380,621, plus strand): 5'-CCATGGGGGGCAGATCCAATACCCAGTGGCCCCCAGATCCACCATTACATTTTGGGCCCA[C>T]AAAGTGGGCCGTCGGGGATCAGCGCACAGAGTTCTTGGGAGCAGCGCCGTTGGGGCCCCC-3'
Protein context (NP_001421.2, residues 640-660): PPDPPLHFGP[Thr650Ile]KWAVGDQRTE